The following is an entry in ClinVar:

NM_005467.4(NAALAD2):c.1338A>C (p.Ile446=)

Gene: NAALAD2 (N-acetylated alpha-linked acidic dipeptidase 2; plus strand). Cytogenetic location: 11q14.3.
Variant type: single nucleotide variant.
Coding change: c.1338A>C on transcript NM_005467.4 (MANE Select); coding-DNA position 1338, A replaced by C.
Protein change: p.Ile446=; no amino-acid change (isoleucine 446 retained).
Molecular consequence: synonymous variant.
Genome position (GRCh38, 1-based): chr11:90,168,988, A>C. VCF-style: chr11-90168988-A-C. GRCh37 (hg19) VCF-style: chr11-89902156-A-C.
Other names: c.1239A>C, p.Ile413= (NM_001300930.2).
Identifiers: ClinVar variation 4533455 (VCV004533455.6).

ClinVar aggregate classification (germline): Likely benign (1 of 4 stars; one submission).

gnomAD v4.1: 12,242 of 1,593,892 alleles (0.77%); highest among the groups gnomAD compares: Non-Finnish European, 0.93%; 63 homozygotes.

Submission:

CeGaT Center for Human Genetics Tuebingen
Classification: Likely benign. Last evaluated: 2025-11-01. Review status: criteria provided, single submitter. Criteria: CeGaT Center For Human Genetics Tuebingen Variant Classification Criteria Version 2. Collection method: clinical testing. Allele origin: germline. Affected: yes. Observed: 1 variant allele.
Comment: NAALAD2: BP4, BS2